The following is an entry in ClinVar:

NM_001378615.1(CC2D2A):c.40G>A (p.Glu14Lys)

Genes: CC2D2A (coiled-coil and C2 domain containing 2A; plus strand), FBXL5 (F-box and leucine rich repeat protein 5; minus strand). Cytogenetic location: 4p15.32.
Variant type: single nucleotide variant.
Coding change: c.40G>A on transcript NM_001378615.1 (MANE Select); coding-DNA position 40, G replaced by A.
Protein change: p.Glu14Lys; replaces glutamic acid 14 with lysine.
Molecular consequence: missense variant.
Genome position (GRCh38, 1-based): chr4:15,478,723, G>A. VCF-style: chr4-15478723-G-A. GRCh37 (hg19) VCF-style: chr4-15480347-G-A.
Other names: c.40G>A, p.Glu14Lys (NM_001080522.2, NM_001164720.3, NM_020785.2); short protein forms E14K.
Identifiers: ClinVar variation 2054339 (VCV002054339.1), dbSNP rs1714405580, ClinGen allele CA356407051.

ClinVar aggregate classification (germline): Uncertain significance (1 of 4 stars; one submission).

Conditions:
Joubert syndrome. Also called: JOUBERT-BOLTSHAUSER SYNDROME; Familial aplasia of the vermis. Identifiers: Orphanet 475, MedGen C5979921, MONDO:0018772.
Meckel-Gruber syndrome. Also called: DYSENCEPHALIA SPLANCHNOCYSTICA; GRUBER SYNDROME; Dysencephalia splachnocystica. Identifiers: Orphanet 564, MedGen C0265215, MONDO:0018921.

Submission:

Labcorp Genetics (formerly Invitae), Labcorp
Classification: Uncertain significance for Joubert syndrome; Meckel-Gruber syndrome. Last evaluated: 2022-07-14. Review status: criteria provided, single submitter. Criteria: Invitae Variant Classification Sherloc (09022015). Collection method: clinical testing. Allele origin: germline.
Comment: This sequence change replaces glutamic acid, which is acidic and polar, with lysine, which is basic and polar, at codon 14 of the CC2D2A protein (p.Glu14Lys). This variant is not present in population databases (gnomAD no frequency). This variant has not been reported in the literature in individuals affected with CC2D2A-related conditions. Algorithms developed to predict the effect of missense changes on protein structure and function are either unavailable or do not agree on the potential impact of this missense change (SIFT: "Tolerated"; PolyPhen-2: "Possibly Damaging"; Align-GVGD: "Class C0"). Algorithms developed to predict the effect of sequence changes on RNA splicing suggest that this variant may create or strengthen a splice site. In summary, the available evidence is currently insufficient to determine the role of this variant in disease. Therefore, it has been classified as a Variant of Uncertain Significance.